The following is an entry in ClinVar:

ClinVar aggregate classification (germline): Likely pathogenic (1 of 4 stars; one submission).

Conditions:
Periventricular nodular heterotopia 9. Identifiers: MedGen C5394503, MONDO:0030061, OMIM 618918.

Submission:

Division of Genetic & Genomic Pathology, Hong Kong Children's Hospital
Classification: Likely pathogenic for Periventricular nodular heterotopia 9. Last evaluated: 2024-08-05. Review status: criteria provided, single submitter. Criteria: ACMG Guidelines, 2015. Collection method: clinical testing. Allele origin: germline. Affected: yes.
Comment: The variant MAP1B c.5976del is a single base-pair deletion located in exon 5 (out of 7 exons) of the MAP1B gene. It causes a frameshift of the original reading frame and is predicted to cause loss of normal function either by protein truncation or nonsense-medicated mRNA decay. This variant is absent in population controls (gnomAD v.4.1.0). This variant has not been deposited in ClinVar or HGMD (2024.2). Overall, the frameshift deletion MAP1B c.5976del is classified as LIKELY PATHOGENIC.

NM_005909.5(MAP1B):c.5976del (p.Asp1992fs)

Gene: MAP1B (microtubule associated protein 1B; plus strand). Cytogenetic location: 5q13.2.
Variant type: Deletion.
Coding change: c.5976del on transcript NM_005909.5 (MANE Select); coding-DNA position 5976, one base deleted (T; older notation c.5976delT).
Protein change: p.Asp1992fs; shifts the reading frame from aspartic acid 1992.
Molecular consequence: frameshift variant.
Genome position (GRCh38, 1-based): chr5:72,199,331, T deleted. VCF-style (leftmost placement, unchanged base first): chr5-72199330-AT-A. GRCh37 (hg19) VCF-style: chr5-71495157-AT-A.
Other names: c.5598del, p.Asp1866fs (NM_001324255.2); short protein forms D1866fs, D1992fs.
Identifiers: ClinVar variation 4884404 (VCV004884404.1).
Genomic context (GRCh38, chr5:72,199,330, plus strand): 5'-ACAGCTATGAAAAGACTGAGAGGTCTAGAAGGCTTCTGGATGACATCAGCAATGGCTATG[AT>A]GACTCTGAGGATGGTGGCCACACACTTGGGGACCCCAGCTACTCTTATGAAACCACTGAG-3'